The following is an entry in ClinVar:

NM_004380.3(CREBBP):c.1665G>T (p.Leu555=)

Gene: CREBBP (CREB binding lysine acetyltransferase; minus strand). Cytogenetic location: 16p13.3.
Variant type: single nucleotide variant.
Coding change: c.1665G>T on transcript NM_004380.3 (MANE Select); coding-DNA position 1665, G replaced by T.
Protein change: p.Leu555=; no amino-acid change (leucine 555 retained).
Molecular consequence: synonymous variant.
Genome position (GRCh38, 1-based): chr16:3,781,215, C>A on the plus strand (G>T on the coding strand, the complement: CREBBP is on the minus strand). VCF-style: chr16-3781215-C-A. GRCh37 (hg19) VCF-style: chr16-3831216-C-A.
Other names: c.1551G>T, p.Leu517= (NM_001079846.1); c.1665G>T (NM_004380.2).
Identifiers: ClinVar variation 2716832 (VCV002716832.4), dbSNP rs1388243685, ClinGen allele CA493276663.

ClinVar aggregate classification (germline): Likely benign. Review status: criteria provided, single submitter (1 of 4 stars). 2 submissions from 2 submitters: Likely benign (1). 1 of the submissions does not count toward it. Last evaluated 2023-11-13.

Conditions:
CREBBP-related disorder. Also called: CREBBP-related disorders; CREBBP-related condition.
Rubinstein-Taybi syndrome (RSTS). Identifiers: Orphanet 783, MedGen C0035934, MONDO:0019188.

Allele frequency attached by ClinVar (database versions not stated): gnomAD exomes below 0.00001.
gnomAD v4.1: 5 of 1,613,980 alleles (0.00031%); highest among the groups gnomAD compares: Middle Eastern, 0.066%; no homozygotes.

Submissions (2):

Labcorp Genetics (formerly Invitae), Labcorp
Classification: Likely benign for Rubinstein-Taybi syndrome. Last evaluated: 2023-11-13. Review status: criteria provided, single submitter. Criteria: Invitae Variant Classification Sherloc (09022015). Collection method: clinical testing. Allele origin: germline.

PreventionGenetics, part of Exact Sciences
Classification: Likely benign for CREBBP-related condition. Last evaluated: 2022-04-12. Review status: no assertion criteria provided. Collection method: clinical testing. Allele origin: germline. Not counted in ClinVar's aggregate classification.
Comment: This variant is classified as likely benign based on ACMG/AMP sequence variant interpretation guidelines (Richards et al. 2015 PMID: 25741868, with internal and published modifications).